The following is an entry in ClinVar:

NM_002470.4(MYH3):c.5796+1G>T

Gene: MYH3 (myosin heavy chain 3; minus strand). Cytogenetic location: 17p13.1.
Variant type: single nucleotide variant.
Coding change: c.5796+1G>T on transcript NM_002470.4 (MANE Select); the canonical splice donor site of the intron after coding-DNA position 5796, G replaced by T.
Molecular consequence: splice donor variant.
Genome position (GRCh38, 1-based): chr17:10,629,596, C>A on the plus strand (G>T on the coding strand, the complement: MYH3 is on the minus strand). VCF-style: chr17-10629596-C-A. GRCh37 (hg19) VCF-style: chr17-10532913-C-A.
Identifiers: ClinVar variation 3610652 (VCV003610652.2).
Genomic context (GRCh38, chr17:10,629,596, plus strand): 5'-CTTCCAGCTAAGAAGTTTCTACAGTCCCTGGGGGGGGGCTCCTCCCAGCTCAGCGACTCA[C>A]CCTGCTGGAGGTGAAGTCTCGAGTCTTAGCGCGGAGCTTGTTGACTTGAGATTCTGCGAT-3'

ClinVar aggregate classification (germline): Uncertain significance (1 of 4 stars; one submission).

Submission:

Labcorp Genetics (formerly Invitae), Labcorp
Classification: Uncertain significance. Last evaluated: 2024-12-23. Review status: criteria provided, single submitter. Criteria: Invitae Variant Classification Sherloc (09022015). Collection method: clinical testing. Allele origin: germline.
Comment: This sequence change affects a donor splice site in intron 40 of the MYH3 gene. While this variant is not anticipated to result in nonsense mediated decay, it likely alters RNA splicing and results in a disrupted protein product. This variant is not present in population databases (gnomAD no frequency). This variant has not been reported in the literature in individuals affected with MYH3-related conditions. Variants that disrupt the consensus splice site are a relatively common cause of aberrant splicing (PMID: 17576681, 9536098). Algorithms developed to predict the effect of sequence changes on RNA splicing suggest that this variant may disrupt the consensus splice site. In summary, the available evidence is currently insufficient to determine the role of this variant in disease. Therefore, it has been classified as a Variant of Uncertain Significance.

Literature cited by the submitters: PubMed 17576681; PubMed 9536098.